The following is an entry in ClinVar:

ClinVar aggregate classification (germline): Uncertain significance (1 of 4 stars; one submission).

Conditions:
PLXNA3-related disorder. Also called: PLXNA3-related condition.

Submission:

PreventionGenetics, part of Exact Sciences
Classification: Uncertain significance for PLXNA3-related condition. Last evaluated: 2025-12-19. Review status: criteria provided, single submitter. Criteria: ACMG Guidelines, 2015. Collection method: clinical testing. Allele origin: germline.
Comment: The PLXNA3 c.705C>G variant is predicted to result in the amino acid substitution p.Phe235Leu. To our knowledge, this variant has not been reported in the literature or in a large population database (gnomAD), indicating this variant is rare. At this time, the clinical significance of this variant is uncertain due to the absence of conclusive functional and genetic evidence.

NM_017514.5(PLXNA3):c.705C>G (p.Phe235Leu)

Gene: PLXNA3 (plexin A3; plus strand). Cytogenetic location: Xq28.
Variant type: single nucleotide variant.
Coding change: c.705C>G on transcript NM_017514.5 (MANE Select); coding-DNA position 705, C replaced by G.
Protein change: p.Phe235Leu; replaces phenylalanine 235 with leucine.
Molecular consequence: missense variant.
Genome position (GRCh38, 1-based): chrX:154,461,209, C>G. VCF-style: chrX-154461209-C-G. GRCh37 (hg19) VCF-style: chrX-153689549-C-G.
Other names: short protein forms F235L.
Identifiers: ClinVar variation 4993651 (VCV004993651.1).